The following is an entry in ClinVar:

ClinVar aggregate classification (germline): Uncertain significance. Review status: criteria provided, multiple submitters, no conflicts (2 of 4 stars). 3 submissions from 3 submitters: Uncertain significance (3). Last evaluated 2023-07-25.

gnomAD v4.1: 31 of 1,159,064 alleles (0.0027%); highest among the groups gnomAD compares: Middle Eastern, 0.071%; no homozygotes.

Submissions (3):

Ambry Genetics
Classification: Uncertain significance. Last evaluated: 2023-07-25. Review status: criteria provided, single submitter. Criteria: Ambry Variant Classification Scheme 2023. Collection method: clinical testing. Allele origin: germline.

CeGaT Center for Human Genetics Tuebingen
Classification: Uncertain significance. Last evaluated: 2023-02-01. Review status: criteria provided, single submitter. Criteria: CeGaT Center For Human Genetics Tuebingen Variant Classification Criteria Version 2. Collection method: clinical testing. Allele origin: germline. Affected: yes. Observed: 1 variant allele.

Women's Health and Genetics/Laboratory Corporation of America, LabCorp
Classification: Uncertain significance. Last evaluated: 2022-10-01. Review status: criteria provided, single submitter. Criteria: LabCorp Variant Classification Summary - May 2015. Collection method: clinical testing. Allele origin: germline.
Comment: Variant summary: SLC9A7 c.706C>T (p.Leu236Phe) results in a non-conservative amino acid change located in the Cation/H+ exchanger domain (IPR006153) of the encoded protein sequence. Three of five in-silico tools predict a benign effect of the variant on protein function. The variant allele was found at a frequency of 3.1e-05 in 162957 control chromosomes, including 1 hemizygote (gnomAD). The available data on variant occurrences in the general population are insufficient to allow any conclusion about variant significance. To our knowledge, no occurrence of c.706C>T in individuals affected with Intellectual Developmental Disorder, X-Linked 108 and no experimental evidence demonstrating its impact on protein function have been reported. No clinical diagnostic laboratories have submitted clinical-significance assessments for this variant to ClinVar after 2014. Based on the evidence outlined above, the variant was classified as uncertain significance.

NM_001257291.2(SLC9A7):c.706C>T (p.Leu236Phe)

Gene: SLC9A7 (solute carrier family 9 member A7; minus strand). Cytogenetic location: Xp11.3.
Variant type: single nucleotide variant.
Coding change: c.706C>T on transcript NM_001257291.2 (MANE Select); coding-DNA position 706, C replaced by T.
Protein change: p.Leu236Phe; replaces leucine 236 with phenylalanine.
Molecular consequence: missense variant.
Genome position (GRCh38, 1-based): chrX:46,669,694, G>A on the plus strand (C>T on the coding strand, the complement: SLC9A7 is on the minus strand). VCF-style: chrX-46669694-G-A. GRCh37 (hg19) VCF-style: chrX-46529129-G-A.
Other names: c.706C>T, p.Leu236Phe (NM_032591.3); c.706C>T (NM_032591.1); short protein forms L236F.
Identifiers: ClinVar variation 1723252 (VCV001723252.27), dbSNP rs757195273, ClinGen allele CA10394031.
Genomic context (GRCh38, chrX:46,669,694, plus strand): 5'-CAAAAAAGAGACAATCTGTGTAGTAAAATTTATCTGAGAGCTGTCCCATAATCTTCATGA[G>A]CTTCACCACACCATACATGAGATTTCTGTAAGAAGGTAAGGTAAACTATGTCAGGAGAAA-3'
Protein context (NP_001244220.1, residues 226-246): IGNLMYGVVK[Leu236Phe]MKIMGQLSDK